The following is an entry in ClinVar:

NM_020401.4(NUP107):c.*10T>C

Gene: NUP107 (nucleoporin 107; plus strand). Cytogenetic location: 12q15.
Variant type: single nucleotide variant.
Coding change: c.*10T>C on transcript NM_020401.4 (MANE Select); 10 bases downstream of the stop codon, T replaced by C.
Molecular consequence: 3 prime UTR variant.
Genome position (GRCh38, 1-based): chr12:68,742,472, T>C. VCF-style: chr12-68742472-T-C. GRCh37 (hg19) VCF-style: chr12-69136252-T-C.
Other names: c.*10T>C (NM_001330192.2).
Identifiers: ClinVar variation 1260722 (VCV001260722.5), dbSNP rs79419059, ClinGen allele CA6678214.

ClinVar aggregate classification (germline): Benign/Likely benign. Review status: criteria provided, multiple submitters, no conflicts (2 of 4 stars). 4 submissions from 4 submitters: Benign (1); Likely benign (3). Last evaluated 2024-11-27.

Allele frequency attached by ClinVar (database versions not stated): 1000 Genomes Project 0.01717; 1000 Genomes Project 30x 0.01765; ExAC 0.02813; gnomAD 0.02814 and 0.02843; ESP Exome Variant Server 0.02914; gnomAD exomes 0.02946 and 0.03755; TOPMed 0.03023.
gnomAD v4.1: 49,586 of 1,362,196 alleles (3.6%); highest among the groups gnomAD compares: Middle Eastern, 5.3%; 1,068 homozygotes.

Submissions (4):

Blueprint Genetics
Classification: Likely benign. Last evaluated: 2024-11-27. Review status: criteria provided, single submitter. Criteria: ACMG Guidelines, 2015. Collection method: clinical testing. Allele origin: germline.

Mayo Clinic Laboratories, Mayo Clinic
Classification: Benign. Last evaluated: 2022-11-25. Review status: criteria provided, single submitter. Criteria: ACMG Guidelines, 2015. Collection method: clinical testing. Allele origin: germline. Observed: 9 variant alleles.
Comment: BS1, BS2, BP4, BP7

GeneDx
Classification: Likely benign. Last evaluated: 2020-12-22. Review status: criteria provided, single submitter. Criteria: GeneDx Variant Classification Process June 2021. Collection method: clinical testing. Allele origin: germline. Affected: yes.

Breakthrough Genomics
Classification: Likely benign. Review status: criteria provided, single submitter. Criteria: ACMG Guidelines, 2015. Collection method: not provided. Allele origin: germline. Inheritance: Autosomal recessive inheritance. Affected: yes.